The following is an entry in ClinVar:

NM_175866.5(UHMK1):c.1214C>T (p.Pro405Leu)

Gene: UHMK1 (U2AF homology motif kinase 1; plus strand). Cytogenetic location: 1q23.3.
Variant type: single nucleotide variant.
Coding change: c.1214C>T on transcript NM_175866.5 (MANE Select); coding-DNA position 1214, C replaced by T.
Protein change: p.Pro405Leu; replaces proline 405 with leucine.
Molecular consequence: missense variant. On other transcripts: 3 prime UTR variant (1).
Genome position (GRCh38, 1-based): chr1:162,522,504, C>T. VCF-style: chr1-162522504-C-T. GRCh37 (hg19) VCF-style: chr1-162492294-C-T.
Other names: c.992C>T, p.Pro331Leu (NM_001184763.1); c.*90C>T (NM_144624.2); short protein forms P405L, P331L.
Identifiers: ClinVar variation 224812 (VCV000224812.2), dbSNP rs869312863, ClinGen allele CA357902.

ClinVar aggregate classification (germline): Likely pathogenic (1 of 4 stars; one submission).

Conditions:
Cerebral visual impairment and intellectual disability.

Allele frequency attached by ClinVar (database versions not stated): gnomAD exomes below 0.00001; TOPMed below 0.00001.
gnomAD v4.1: 3 of 1,614,132 alleles (0.00019%); highest among the groups gnomAD compares: East Asian, 0.0022%; no homozygotes.

Submission:

Lupski Lab, Baylor-Hopkins CMG, Baylor College of Medicine
Classification: Likely pathogenic for Cerebral visual impairment and intellectual disability. Last evaluated: 2015-09-09. Review status: criteria provided, single submitter. Criteria: Bosch et al. (EJHG 2015). Collection method: research. Allele origin: de novo. Affected: yes. Observed: 1 variant allele, 1 heterozygote.
Comment: This study shows that diverse genetic causes underlie CVI.